The following is an entry in ClinVar:

NM_004279.3(PMPCB):c.1321A>G (p.Arg441Gly)

Gene: PMPCB (peptidase, mitochondrial processing subunit beta; plus strand). Cytogenetic location: 7q22.1.
Variant type: single nucleotide variant.
Coding change: c.1321A>G on transcript NM_004279.3 (MANE Select); coding-DNA position 1321, A replaced by G.
Protein change: p.Arg441Gly; replaces arginine 441 with glycine.
Molecular consequence: missense variant.
Genome position (GRCh38, 1-based): chr7:103,311,888, A>G. VCF-style: chr7-103311888-A-G. GRCh37 (hg19) VCF-style: chr7-102952335-A-G.
Other names: short protein forms R441G.
Identifiers: ClinVar variation 3054177 (VCV003054177.2), dbSNP rs2484901445, ClinGen allele CA368738807.

ClinVar aggregate classification (germline): Uncertain significance (0 of 4 stars; one submission).

Conditions:
PMPCB-related disorder. Also called: PMPCB-related condition.

Submission:

PreventionGenetics, part of Exact Sciences
Classification: Uncertain significance for PMPCB-related condition. Last evaluated: 2024-02-14. Review status: no assertion criteria provided. Collection method: clinical testing. Allele origin: germline.
Comment: The PMPCB c.1321A>G variant is predicted to result in the amino acid substitution p.Arg441Gly. To our knowledge, this variant has not been reported in the literature or in a large population database, indicating this variant is rare. At this time, the clinical significance of this variant is uncertain due to the absence of conclusive functional and genetic evidence.